The following is an entry in ClinVar:

ClinVar aggregate classification (germline): Uncertain significance (1 of 4 stars; one submission).

Conditions:
Primary ciliary dyskinesia. Also called: Ciliary dyskinesia. Identifiers: Orphanet 244, MedGen C0008780, MONDO:0016575, HP:0012265.

Submission:

Labcorp Genetics (formerly Invitae), Labcorp
Classification: Uncertain significance for Primary ciliary dyskinesia. Last evaluated: 2025-04-12. Review status: criteria provided, single submitter. Criteria: Invitae Variant Classification Sherloc (09022015). Collection method: clinical testing. Allele origin: germline.
Comment: This sequence change replaces cysteine, which is neutral and slightly polar, with phenylalanine, which is neutral and non-polar, at codon 302 of the RPGR protein (p.Cys302Phe). This variant is not present in population databases (gnomAD no frequency). This variant has not been reported in the literature in individuals affected with RPGR-related conditions. Invitae Evidence Modeling of protein sequence and biophysical properties (such as structural, functional, and spatial information, amino acid conservation, physicochemical variation, residue mobility, and thermodynamic stability) indicates that this missense variant is expected to disrupt RPGR protein function with a positive predictive value of 80%. In summary, the available evidence is currently insufficient to determine the role of this variant in disease. Therefore, it has been classified as a Variant of Uncertain Significance.

NM_001034853.2(RPGR):c.905G>T (p.Cys302Phe)

Gene: RPGR (retinitis pigmentosa GTPase regulator; minus strand). Cytogenetic location: Xp11.4.
Variant type: single nucleotide variant.
Coding change: c.905G>T on transcript NM_001034853.2 (MANE Select); coding-DNA position 905, G replaced by T.
Protein change: p.Cys302Phe; replaces cysteine 302 with phenylalanine.
Molecular consequence: missense variant. On other transcripts: non-coding transcript variant (5).
Genome position (GRCh38, 1-based): chrX:38,304,664, C>A on the plus strand (G>T on the coding strand, the complement: RPGR is on the minus strand). VCF-style: chrX-38304664-C-A. GRCh37 (hg19) VCF-style: chrX-38163917-C-A.
Other names: c.905G>T, p.Cys302Phe (NM_000328.3, NM_001367246.1, NM_001367247.1 and 1 more transcripts); c.902G>T, p.Cys301Phe (NM_001367245.1, NM_001367249.1, NM_001367250.1); c.935G>T, p.Cys312Phe (NM_001367248.1); short protein forms C301F, C302F, C312F.
Identifiers: ClinVar variation 4746272 (VCV004746272.1).